The following is an entry in ClinVar:

NM_000264.5(PTCH1):c.1068-9G>A

Gene: PTCH1 (patched 1; minus strand). Cytogenetic location: 9q22.32.
Variant type: single nucleotide variant.
Coding change: c.1068-9G>A on transcript NM_000264.5 (MANE Select); 9 bases into the intron before coding-DNA position 1068, G replaced by A.
Molecular consequence: intron variant.
Genome position (GRCh38, 1-based): chr9:95,479,156, C>T on the plus strand (G>A on the coding strand, the complement: PTCH1 is on the minus strand). VCF-style: chr9-95479156-C-T. GRCh37 (hg19) VCF-style: chr9-98241438-C-T.
Other names: c.1065-9G>A (NM_001083603.3); c.870-9G>A (NM_001083602.3); c.1068-9G>A (NM_001354918.2); c.615-9G>A (NM_001083605.3, NM_001083604.3, NM_001083606.3 and 1 more transcripts).
Identifiers: ClinVar variation 215680 (VCV000215680.15), dbSNP rs863224344, ClinGen allele CA337378.
Genomic context (GRCh38, chr9:95,479,156, plus strand): 5'-GTACATTTGCTTGGGAGTCATTAACTGGAACATGGTCTGCAGGGCATGGGCGCTGCAGCA[C>T]AGTCCAAGGGAAGGCACATCATCAGTATTCCCAGGAAGCAGTTTCCACTGCCTCAAATCC-3'

ClinVar aggregate classification (germline): Likely benign. Review status: criteria provided, multiple submitters, no conflicts (2 of 4 stars). 3 submissions from 3 submitters: Likely benign (2). 1 of the submissions does not count toward it. Last evaluated 2025-12-19.

Conditions:
Hereditary cancer-predisposing syndrome. Also called: Tumor predisposition; Hereditary Cancer Syndrome; Neoplastic Syndromes, Hereditary; Hereditary neoplastic syndrome. Identifiers: Orphanet 140162, MedGen C0027672, MeSH D009386, MONDO:0015356.
Gorlin syndrome. Also called: Nevoid Basal Cell Carcinoma Syndrome; Basal cell nevus syndrome. Identifiers: Orphanet 377, MedGen C0004779, MONDO:0007187.
PTCH1-related disorder. Also called: PTCH1-related disorders; PTCH1-related condition.

Allele frequency attached by ClinVar (database versions not stated): gnomAD 0.00001; gnomAD exomes 0.00001 and 0.00002; TOPMed 0.00001.
gnomAD v4.1: 11 of 1,613,956 alleles (0.00068%); highest among the groups gnomAD compares: African/African-American, 0.0013%; no homozygotes.

Submissions (3):

Labcorp Genetics (formerly Invitae), Labcorp
Classification: Likely benign for Gorlin syndrome. Last evaluated: 2025-12-19. Review status: criteria provided, single submitter. Criteria: Invitae Variant Classification Sherloc (09022015). Collection method: clinical testing. Allele origin: germline.

Sema4
Classification: Likely benign for Hereditary cancer-predisposing syndrome. Last evaluated: 2020-12-19. Review status: criteria provided, single submitter. Criteria: Sema4 Curation Guidelines. Collection method: curation. Allele origin: germline.

PreventionGenetics, part of Exact Sciences
Classification: Likely benign for PTCH1-related condition. Last evaluated: 2023-04-27. Review status: no assertion criteria provided. Collection method: clinical testing. Allele origin: germline. Not counted in ClinVar's aggregate classification.
Comment: This variant is classified as likely benign based on ACMG/AMP sequence variant interpretation guidelines (Richards et al. 2015 PMID: 25741868, with internal and published modifications).